The following is an entry in ClinVar:

NM_198253.3(TERT):c.3346G>A (p.Glu1116Lys)

Gene: TERT (telomerase reverse transcriptase; minus strand). Cytogenetic location: 5p15.33.
Variant type: single nucleotide variant.
Coding change: c.3346G>A on transcript NM_198253.3 (MANE Select); coding-DNA position 3346, G replaced by A.
Protein change: p.Glu1116Lys; replaces glutamic acid 1116 with lysine.
Molecular consequence: missense variant. On other transcripts: non-coding transcript variant (2).
Genome position (GRCh38, 1-based): chr5:1,253,781, C>T on the plus strand (G>A on the coding strand, the complement: TERT is on the minus strand). VCF-style: chr5-1253781-C-T. GRCh37 (hg19) VCF-style: chr5-1253896-C-T.
Other names: c.3157G>A, p.Glu1053Lys (NM_001193376.3); short protein forms E1053K, E1116K.
Identifiers: ClinVar variation 646521 (VCV000646521.13), dbSNP rs1196160200, ClinGen allele CA359066706.

ClinVar aggregate classification (germline): Conflicting classifications of pathogenicity. Review status: criteria provided, conflicting classifications (1 of 4 stars). 3 submissions from 3 submitters: Uncertain significance (2); Likely benign (1). Last evaluated 2025-07-28.

Conditions:
Idiopathic Pulmonary Fibrosis. Also called: Idiopathic fibrosing alveolitis, chronic form; idiopathic fibrosing alveolitis. Identifiers: Orphanet 2032, MedGen C1800706, MeSH D054990, MONDO:0800504.
Dyskeratosis congenita, autosomal dominant 2. Identifiers: MedGen C3151443, MONDO:0013521, OMIM 613989.
TERT-related disorder. Also called: TERT-related condition; TERT-related disorders.
Dyskeratosis congenita. Identifiers: Orphanet 1775, MedGen C0265965, MONDO:0015780.

Allele frequency attached by ClinVar (database versions not stated): gnomAD exomes below 0.00001 and 0.00002.

Submissions (3):

Labcorp Genetics (formerly Invitae), Labcorp
Classification: Likely benign for Dyskeratosis congenita, autosomal dominant 2; Idiopathic Pulmonary Fibrosis. Last evaluated: 2025-07-28. Review status: criteria provided, single submitter. Criteria: Invitae Variant Classification Sherloc (09022015). Collection method: clinical testing. Allele origin: germline.

PreventionGenetics, part of Exact Sciences
Classification: Uncertain significance for TERT-related condition. Last evaluated: 2025-05-13. Review status: criteria provided, single submitter. Criteria: ACMG Guidelines, 2015. Collection method: clinical testing. Allele origin: germline.
Comment: The TERT c.3346G>A variant is predicted to result in the amino acid substitution p.Glu1116Lys. To our knowledge, this variant has not been reported in the literature. This variant is reported in 0.0056% of alleles in individuals of East Asian descent in gnomAD. An alternate nucleotide change affecting the same amino acid (p.Glu1116Gln), has been reported in an individual with cirrhosis and a family with dyskeratosis congenita and shortened telomeres (Hartmann et al. 2011. PubMed ID: 21520174; He et al. 2019. PubMed ID: 31119896). The interpretations in ClinVar range from likely benign to uncertain. At this time, the clinical significance of this variant is uncertain due to the absence of conclusive functional and genetic evidence.

Ambry Genetics
Classification: Uncertain significance for Dyskeratosis congenita. Last evaluated: 2025-01-14. Review status: criteria provided, single submitter. Criteria: Ambry Variant Classification Scheme 2023. Collection method: clinical testing. Allele origin: germline.
Comment: The p.E1116K variant (also known as c.3346G>A), located in coding exon 16 of the TERT gene, results from a G to A substitution at nucleotide position 3346. The glutamic acid at codon 1116 is replaced by lysine, an amino acid with similar properties. This amino acid position is not well conserved in available vertebrate species. In addition, this alteration is predicted to be tolerated by in silico analysis. Based on the available evidence, the clinical significance of this variant remains unclear.